The following is an entry in ClinVar:

ClinVar aggregate classification (germline): Uncertain significance (1 of 4 stars; one submission).

Submission:

Labcorp Genetics (formerly Invitae), Labcorp
Classification: Uncertain significance. Last evaluated: 2022-08-31. Review status: criteria provided, single submitter. Criteria: Invitae Variant Classification Sherloc (09022015). Collection method: clinical testing. Allele origin: germline.
Comment: This variant has not been reported in the literature in individuals affected with KMT2A-related conditions. This sequence change replaces glycine, which is neutral and non-polar, with glutamic acid, which is acidic and polar, at codon 230 of the KMT2A protein (p.Gly230Glu). This variant is not present in population databases (gnomAD no frequency). Advanced modeling of protein sequence and biophysical properties (such as structural, functional, and spatial information, amino acid conservation, physicochemical variation, residue mobility, and thermodynamic stability) performed at Invitae indicates that this missense variant is not expected to disrupt KMT2A protein function. In summary, the available evidence is currently insufficient to determine the role of this variant in disease. Therefore, it has been classified as a Variant of Uncertain Significance.

NM_001197104.2(KMT2A):c.689G>A (p.Gly230Glu)

Gene: KMT2A (lysine methyltransferase 2A; plus strand). Cytogenetic location: 11q23.3.
Variant type: single nucleotide variant.
Coding change: c.689G>A on transcript NM_001197104.2 (MANE Select); coding-DNA position 689, G replaced by A.
Protein change: p.Gly230Glu; replaces glycine 230 with glutamic acid.
Molecular consequence: missense variant.
Genome position (GRCh38, 1-based): chr11:118,471,848, G>A. VCF-style: chr11-118471848-G-A. GRCh37 (hg19) VCF-style: chr11-118342563-G-A.
Other names: c.788G>A, p.Gly263Glu (NM_001412597.1); c.689G>A, p.Gly230Glu (NM_005933.4); short protein forms G263E, G230E.
Identifiers: ClinVar variation 2065753 (VCV002065753.4), dbSNP rs2134258024, ClinGen allele CA382807441.